The following is an entry in ClinVar:

NM_001297.5(CNGB1):c.3309G>A (p.Ala1103=)

Gene: CNGB1 (cyclic nucleotide gated channel subunit beta 1; minus strand). Cytogenetic location: 16q21.
Variant type: single nucleotide variant.
Coding change: c.3309G>A on transcript NM_001297.5 (MANE Select); coding-DNA position 3309, G replaced by A.
Protein change: p.Ala1103=; no amino-acid change (alanine 1103 retained).
Molecular consequence: synonymous variant.
Genome position (GRCh38, 1-based): chr16:57,888,008, C>T on the plus strand (G>A on the coding strand, the complement: CNGB1 is on the minus strand). VCF-style: chr16-57888008-C-T. GRCh37 (hg19) VCF-style: chr16-57921912-C-T.
Other names: c.3291G>A, p.Ala1097= (NM_001286130.2).
Identifiers: ClinVar variation 320064 (VCV000320064.14), dbSNP rs201319323, ClinGen allele CA8082599.
Genomic context (GRCh38, chr16:57,888,008, plus strand): 5'-CCCCTTGCCACCCATCTTTCCTGTCATAGCGAGGGCAGCGTTGAAGAGCTTTGGGGTGCC[C>T]GCCCGGGGTGGAAGGATCAGCACGCTCTTCTCCTCCTTGGGCTTATTGTTGCTTCTCAGC-3'
Protein context (NP_001288.3, residues 1093-1113): EKSVLILPPR[Ala1103=]GTPKLFNAAL

ClinVar aggregate classification (germline): Conflicting classifications of pathogenicity. Review status: criteria provided, conflicting classifications (1 of 4 stars). 3 submissions from 3 submitters: Uncertain significance (1); Benign (1). 1 of the submissions does not count toward it. Last evaluated 2026-01-26.

Conditions:
CNGB1-related disorder. Also called: CNGB1-related condition.
Retinitis pigmentosa (RP). Identifiers: Orphanet 791, MedGen C0035334, MeSH D012174, MONDO:0019200, OMIM 268000. Inheritance: Autosomal dominant, autosomal recessive and X linked inheritance.

Allele frequency attached by ClinVar (database versions not stated): 1000 Genomes Project 30x 0.00203; 1000 Genomes Project 0.00220; gnomAD 0.00004 and 0.00035; TOPMed 0.00009; gnomAD exomes 0.00052 and 0.00111; ExAC 0.00128.
gnomAD v4.1: 809 of 1,614,166 alleles (0.05%); highest among the groups gnomAD compares: South Asian, 0.83%; 17 homozygotes.

Submissions (3):

Labcorp Genetics (formerly Invitae), Labcorp
Classification: Benign. Last evaluated: 2026-01-26. Review status: criteria provided, single submitter. Criteria: Invitae Variant Classification Sherloc (09022015). Collection method: clinical testing. Allele origin: germline.

Illumina Laboratory Services, Illumina
Classification: Uncertain significance for Retinitis pigmentosa. Last evaluated: 2018-01-12. Review status: criteria provided, single submitter. Criteria: ICSL Variant Classification Criteria 13 December 2019. Collection method: clinical testing. Allele origin: germline.

PreventionGenetics, part of Exact Sciences
Classification: Benign for CNGB1-related condition. Last evaluated: 2022-12-09. Review status: no assertion criteria provided. Collection method: clinical testing. Allele origin: germline. Not counted in ClinVar's aggregate classification.
Comment: This variant is classified as benign based on ACMG/AMP sequence variant interpretation guidelines (Richards et al. 2015 PMID: 25741868, with internal and published modifications).